The following is an entry in ClinVar:

NM_004484.4(GPC3):c.976A>T (p.Thr326Ser)

Gene: GPC3 (glypican 3; minus strand). Cytogenetic location: Xq26.2.
Variant type: single nucleotide variant.
Coding change: c.976A>T on transcript NM_004484.4 (MANE Select); coding-DNA position 976, A replaced by T.
Protein change: p.Thr326Ser; replaces threonine 326 with serine.
Molecular consequence: missense variant.
Genome position (GRCh38, 1-based): chrX:133,753,538, T>A on the plus strand (A>T on the coding strand, the complement: GPC3 is on the minus strand). VCF-style: chrX-133753538-T-A. GRCh37 (hg19) VCF-style: chrX-132887565-T-A.
Other names: c.976A>T, p.Thr326Ser (NM_001164617.2); c.928A>T, p.Thr310Ser (NM_001164618.2); c.814A>T, p.Thr272Ser (NM_001164619.2); short protein forms T326S, T272S, T310S.
Identifiers: ClinVar variation 2185563 (VCV002185563.4), dbSNP rs2521352963, ClinGen allele CA414705126.
Genomic context (GRCh38, chrX:133,753,538, plus strand): 5'-TCACAGTGGTGGTCAGCTTTCCTGCATTCTTCTGGACATACTGGATAGAATCATGGATTG[T>A]TGAAAAGAGACCAAGCAGTACGTTCTCCATGTCATAGATTCTGTACATGCCATTCACAAG-3'
Protein context (NP_004475.1, residues 316-336): MENVLLGLFS[Thr326Ser]IHDSIQYVQK

ClinVar aggregate classification (germline): Uncertain significance (1 of 4 stars; one submission).

Conditions:
Wilms tumor 1 (WT1). Also called: Wilms tumor, somatic. Identifiers: Orphanet 654, MedGen CN033288, MONDO:0008679, OMIM 194070.

Submission:

Labcorp Genetics (formerly Invitae), Labcorp
Classification: Uncertain significance for Wilms tumor 1. Last evaluated: 2022-02-24. Review status: criteria provided, single submitter. Criteria: Invitae Variant Classification Sherloc (09022015). Collection method: clinical testing. Allele origin: germline.
Comment: This sequence change replaces threonine, which is neutral and polar, with serine, which is neutral and polar, at codon 326 of the GPC3 protein (p.Thr326Ser). This variant is not present in population databases (gnomAD no frequency). This variant has not been reported in the literature in individuals affected with GPC3-related conditions. Algorithms developed to predict the effect of missense changes on protein structure and function (SIFT, PolyPhen-2, Align-GVGD) all suggest that this variant is likely to be tolerated. In summary, the available evidence is currently insufficient to determine the role of this variant in disease. Therefore, it has been classified as a Variant of Uncertain Significance.